The following is an entry in ClinVar:

ClinVar aggregate classification (germline): Uncertain significance (1 of 4 stars; one submission).

Conditions:
Inborn genetic diseases. Identifiers: MedGen C0950123, MeSH D030342.

gnomAD v4.1: 1 of 1,546,368 alleles (0.000065%); highest among the groups gnomAD compares: Non-Finnish European, 0.000087%; no homozygotes.

Submission:

Ambry Genetics
Classification: Uncertain significance for Inborn genetic diseases. Last evaluated: 2022-05-19. Review status: criteria provided, single submitter. Criteria: Ambry Variant Classification Scheme 2023. Collection method: clinical testing. Allele origin: germline.
Comment: The p.R343G variant (also known as c.1027C>G), located in coding exon 11 of the ERCC2 gene, results from a C to G substitution at nucleotide position 1027. The arginine at codon 343 is replaced by glycine, an amino acid with dissimilar properties. This amino acid position is conserved. In addition, this alteration is predicted to be deleterious by in silico analysis. Since supporting evidence is limited at this time, the clinical significance of this alteration remains unclear.

NM_000400.4(ERCC2):c.1027C>G (p.Arg343Gly)

Gene: ERCC2 (ERCC excision repair 2, TFIIH core complex helicase subunit; minus strand). Cytogenetic location: 19q13.32.
Variant type: single nucleotide variant.
Coding change: c.1027C>G on transcript NM_000400.4 (MANE Select); coding-DNA position 1027, C replaced by G.
Protein change: p.Arg343Gly; replaces arginine 343 with glycine.
Molecular consequence: missense variant.
Genome position (GRCh38, 1-based): chr19:45,363,834, G>C on the plus strand (C>G on the coding strand, the complement: ERCC2 is on the minus strand). VCF-style: chr19-45363834-G-C. GRCh37 (hg19) VCF-style: chr19-45867092-G-C.
Other names: c.955C>G, p.Arg319Gly (NM_001130867.2); short protein forms R319G, R343G.
Identifiers: ClinVar variation 1769877 (VCV001769877.2), dbSNP rs1243536822, ClinGen allele CA406372678.